The following is an entry in ClinVar:

ClinVar aggregate classification (germline): Uncertain significance (1 of 4 stars; one submission).

Conditions:
Autosomal dominant nonsyndromic hearing loss 65. Also called: Deafness, autosomal dominant 65; TBC1D24-Related Autosomal Dominant Nonsyndromic Hearing Loss (DFNA). Identifiers: Orphanet 90635, MedGen C3892048, MONDO:0014470, OMIM 616044.
Developmental and epileptic encephalopathy, 1 (DEE1). Also called: X-linked infantile spasms; West's syndrome; Tonic spasms with clustering, arrest of psychomotor development and hypsarrhythmia on EEG; X-Linked Infantile Spasm Syndrome; OHTAHARA SYNDROME, X-LINKED; INFANTILE SPASM SYNDROME, X-LINKED 1. Identifiers: MedGen C3463992, MONDO:0010632, OMIM 308350. Disease mechanism: loss of function.

Submission:

Labcorp Genetics (formerly Invitae), Labcorp
Classification: Uncertain significance for Developmental and epileptic encephalopathy, 1; Autosomal dominant nonsyndromic hearing loss 65. Last evaluated: 2021-04-05. Review status: criteria provided, single submitter. Criteria: Invitae Variant Classification Sherloc (09022015). Collection method: clinical testing. Allele origin: germline.
Comment: In summary, the available evidence is currently insufficient to determine the role of this variant in disease. Therefore, it has been classified as a Variant of Uncertain Significance. This sequence change replaces alanine with serine at codon 380 of the TBC1D24 protein (p.Ala380Ser). The alanine residue is weakly conserved and there is a moderate physicochemical difference between alanine and serine. This variant is not present in population databases (ExAC no frequency). This variant has not been reported in the literature in individuals with TBC1D24-related conditions. Advanced modeling of protein sequence and biophysical properties (such as structural, functional, and spatial information, amino acid conservation, physicochemical variation, residue mobility, and thermodynamic stability) performed at Invitae indicates that this missense variant is not expected to disrupt TBC1D24 protein function.

NM_001199107.2(TBC1D24):c.1138G>T (p.Ala380Ser)

Gene: TBC1D24 (TBC1 domain family member 24; plus strand). Cytogenetic location: 16p13.3.
Variant type: single nucleotide variant.
Coding change: c.1138G>T on transcript NM_001199107.2 (MANE Select); coding-DNA position 1138, G replaced by T.
Protein change: p.Ala380Ser; replaces alanine 380 with serine.
Molecular consequence: missense variant.
Genome position (GRCh38, 1-based): chr16:2,498,392, G>T. VCF-style: chr16-2498392-G-T. GRCh37 (hg19) VCF-style: chr16-2548393-G-T.
Other names: c.1120G>T, p.Ala374Ser (NM_020705.3); short protein forms A374S, A380S.
Identifiers: ClinVar variation 1523364 (VCV001523364.8), dbSNP rs2141874469, ClinGen allele CA394379109.